The following is an entry in ClinVar:

ClinVar aggregate classification (germline): Uncertain significance (1 of 4 stars; one submission).

Submission:

Labcorp Genetics (formerly Invitae), Labcorp
Classification: Uncertain significance. Last evaluated: 2026-01-18. Review status: criteria provided, single submitter. Criteria: Invitae Variant Classification Sherloc (09022015). Collection method: clinical testing. Allele origin: germline.
Comment: This sequence change replaces valine, which is neutral and non-polar, with leucine, which is neutral and non-polar, at codon 385 of the RFWD3 protein (p.Val385Leu). This variant is not present in population databases (gnomAD no frequency). This variant has not been reported in the literature in individuals affected with RFWD3-related conditions. An algorithm developed to predict the effect of missense changes on protein structure and function (PolyPhen-2) suggests that this variant is likely to be tolerated. In summary, the available evidence is currently insufficient to determine the role of this variant in disease. Therefore, it has been classified as a Variant of Uncertain Significance.

NM_018124.4(RFWD3):c.1153G>C (p.Val385Leu)

Gene: RFWD3 (ring finger and WD repeat domain 3; minus strand). Cytogenetic location: 16q23.1.
Variant type: single nucleotide variant.
Coding change: c.1153G>C on transcript NM_018124.4 (MANE Select); coding-DNA position 1153, G replaced by C.
Protein change: p.Val385Leu; replaces valine 385 with leucine.
Molecular consequence: missense variant.
Genome position (GRCh38, 1-based): chr16:74,637,897, C>G on the plus strand (G>C on the coding strand, the complement: RFWD3 is on the minus strand). VCF-style: chr16-74637897-C-G. GRCh37 (hg19) VCF-style: chr16-74671795-C-G.
Other names: c.1153G>C, p.Val385Leu (NM_001370534.1, NM_001370535.1, NM_001370536.1); c.319G>C, p.Val107Leu (NM_001370537.1, NM_001370539.1, NM_001370540.1 and 2 more transcripts); short protein forms V107L, V385L.
Identifiers: ClinVar variation 4723316 (VCV004723316.1).